The following is an entry in ClinVar:

ClinVar aggregate classification (germline): Pathogenic (1 of 4 stars; one submission).

Submission:

Labcorp Genetics (formerly Invitae), Labcorp
Classification: Pathogenic. Last evaluated: 2019-11-03. Review status: criteria provided, single submitter. Criteria: Invitae Variant Classification Sherloc (09022015). Collection method: clinical testing. Allele origin: germline.
Comment: This sequence change creates a premature translational stop signal (p.Ile162Leufs*4) in the FH gene. It is expected to result in an absent or disrupted protein product. This variant is not present in population databases (ExAC no frequency). This variant has not been reported in the literature in individuals with FH-related conditions. Loss-of-function variants in FH are known to be pathogenic (PMID: 11865300, 21398687). For these reasons, this variant has been classified as Pathogenic.

Literature cited by the submitters: PubMed 11865300; PubMed 21398687.

NM_000143.4(FH):c.484del (p.Ile162fs)

Gene: FH (fumarate hydratase; minus strand). Cytogenetic location: 1q43.
Variant type: Deletion.
Coding change: c.484del on transcript NM_000143.4 (MANE Select); coding-DNA position 484, one base deleted (A; older notation c.484delA).
Protein change: p.Ile162fs; shifts the reading frame from isoleucine 162.
Molecular consequence: frameshift variant.
Genome position (GRCh38, 1-based): chr1:241,512,038, T deleted on the plus strand (A on the coding strand, the reverse complement: FH is on the minus strand); the first of 2 consecutive T bases (chr1:241,512,038-241,512,039); deleting either gives the same sequence. VCF-style (leftmost placement, unchanged base first): chr1-241512037-AT-A. GRCh37 (hg19) VCF-style: chr1-241675337-AT-A.
Other names: short protein forms I162fs.
Identifiers: ClinVar variation 935261 (VCV000935261.8), dbSNP rs1660098180, ClinGen allele CA1139656706.